The following is an entry in ClinVar:

ClinVar aggregate classification (germline): not provided (0 of 4 stars; one submission).

Conditions:
Normal pregnancy. Identifiers: MedGen C0232989.

Submission:

Institute of Molecular and Cell Biology, University of Tartu
No classification provided. Condition: Normal pregnancy. Review status: no classification provided. Collection method: case-control. Allele origin: unknown. Affected: yes. Study: Kasak2014.
Comment: The study aimed to determine the contribution of copy number variants in the genetic etiology of normal and complicated pregnancies. The samples represented (i) maternal blood DNA drawn from healthy pregnant women during 1st or 2nd trimester and (ii) maternal and paternal blood DNA drawn at term pregnancy cases representing normal and complicated gestations (severe preeclampsia, PE; gestational diabetes, GD; small-for-gestational age newborn, SGA; large-for-gestational age newborn, LGA). We performed CNV calling based on genome-wide genotyping dataset (Illumina HumanOmniExpress-24-v1 BeadChip) by applying three algorithms, QuantiSNP, GADA (Genome Alteration Detection Algorithm) and CNstream in parallel. The acquired CNV calls were merged with HD-CNV (Hotspot Detector for Copy Number Variants) program and only the CNVs predicted by at least two programs, were considered in subsequent analysis.

Literature cited by the submitters: PubMed 25666259.

Single allele

Gene: NRXN1-DT (NRXN1 divergent transcript; plus strand). Cytogenetic location: 2p16.3.
Variant type: Deletion.
Identifiers: ClinVar variation 156786 (VCV000156786.2).